The following is an entry in ClinVar:

ClinVar aggregate classification (germline): Likely pathogenic (1 of 4 stars; one submission).

Conditions:
Hearing loss, autosomal dominant 80. Also called: DEAFNESS, AUTOSOMAL DOMINANT 80. Identifiers: MedGen C5543289, MONDO:0030998, OMIM 619274.

Submission:

Institute of Rare Diseases, West China Hospital, Sichuan University
Classification: Likely pathogenic for Hearing loss, autosomal dominant 80. Last evaluated: 2025-01-09. Review status: criteria provided, single submitter. Criteria: ClinGen HL ACMG Specifications v1. Collection method: research. Allele origin: germline. Affected: yes.
Comment: PVS1;PM2_Supporting

NM_001142966.3(GREB1L):c.768del (p.Ser257fs)

Genes: GREB1L (GREB1 like retinoic acid receptor coactivator; plus strand), LOC101927521 (uncharacterized LOC101927521; minus strand). Cytogenetic location: 18q11.1.
Variant type: Deletion.
Coding change: c.768del on transcript NM_001142966.3 (MANE Select); coding-DNA position 768, one base deleted (G; older notation c.768delG).
Protein change: p.Ser257fs; shifts the reading frame from serine 257.
Molecular consequence: frameshift variant.
Genome position (GRCh38, 1-based): chr18:21,403,930, G deleted. VCF-style (leftmost placement, unchanged base first): chr18-21403929-TG-T. GRCh37 (hg19) VCF-style: chr18-18983890-TG-T.
Other names: c.768del, p.Ser257fs (NM_001410867.1, NM_001410868.1); short protein forms S257fs.
Identifiers: ClinVar variation 3601161 (VCV003601161.1).